The following is an entry in ClinVar:

ClinVar aggregate classification (germline): Uncertain significance. Review status: criteria provided, multiple submitters, no conflicts (2 of 4 stars). 8 submissions from 8 submitters: Uncertain significance (8). Last evaluated 2026-03-17.

Conditions:
Hereditary cancer-predisposing syndrome. Also called: Tumor predisposition; Hereditary neoplastic syndrome; Neoplastic Syndromes, Hereditary; Hereditary Cancer Syndrome. Identifiers: Orphanet 140162, MedGen C0027672, MeSH D009386, MONDO:0015356.
Classic or attenuated familial adenomatous polyposis. Identifiers: MedGen CN372698, MONDO:0021057.
APC-related disorder. Also called: APC-related condition.
Familial adenomatous polyposis 1 (FAP1). Also called: POLYPOSIS, ADENOMATOUS INTESTINAL; FAMILIAL ADENOMATOUS POLYPOSIS 1, ATTENUATED. Identifiers: MedGen C2713442, MONDO:0021056, OMIM 175100. Disease mechanism: loss of function.

Allele frequency attached by ClinVar (database versions not stated): gnomAD exomes below 0.00001.

Submissions (8):

Ambry Genetics
Classification: Uncertain significance for Hereditary cancer-predisposing syndrome. Last evaluated: 2026-03-17. Review status: criteria provided, single submitter. Criteria: Ambry Variant Classification Scheme 2023. Collection method: clinical testing. Allele origin: germline.
Comment: The p.A146V variant (also known as c.437C>T), located in coding exon 4 of the APC gene, results from a C to T substitution at nucleotide position 437. The alanine at codon 146 is replaced by valine, an amino acid with similar properties. This variant was detected as heterozygous in individual(s) with no reported features of APC-related familial adenomatous polyposis (Ambry internal data). This alteration has been reported in a cohort of 488 patients with stages I to III breast cancer diagnosed over age 50 who were tested with a 25-gene panel test (Tung N et al. J. Clin. Oncol., 2016 May;34:1460-8). This amino acid position is highly conserved in available vertebrate species. In addition, in silico predictors for this gene do not accurately predict pathogenicity. Based on the available evidence, the clinical significance of this variant remains unclear.

Labcorp Genetics (formerly Invitae), Labcorp
Classification: Uncertain significance for Familial adenomatous polyposis 1. Last evaluated: 2025-11-02. Review status: criteria provided, single submitter. Criteria: Invitae Variant Classification Sherloc (09022015). Collection method: clinical testing. Allele origin: germline.
Comment: This sequence change replaces alanine, which is neutral and non-polar, with valine, which is neutral and non-polar, at codon 146 of the APC protein (p.Ala146Val). The frequency data for this variant in the population databases is considered unreliable, as metrics indicate poor data quality at this position in the gnomAD database. This variant has not been reported in the literature in individuals affected with APC-related conditions. ClinVar contains an entry for this variant (Variation ID: 482475). Invitae Evidence Modeling of protein sequence and biophysical properties (such as structural, functional, and spatial information, amino acid conservation, physicochemical variation, residue mobility, and thermodynamic stability) indicates that this missense variant is not expected to disrupt APC protein function with a negative predictive value of 95%. In summary, the available evidence is currently insufficient to determine the role of this variant in disease. Therefore, it has been classified as a Variant of Uncertain Significance.

Color Diagnostics, LLC DBA Color Health
Classification: Uncertain significance for Hereditary cancer-predisposing syndrome. Last evaluated: 2025-06-12. Review status: criteria provided, single submitter. Criteria: ACMG Guidelines, 2015. Collection method: clinical testing. Allele origin: germline.
Comment: This missense variant replaces alanine with valine at codon 146 of the APC protein. Computational prediction suggests that this variant may not impact protein structure and function. To our knowledge, functional studies have not been reported for this variant. This variant has not been reported in individuals affected with APC-related disorders in the literature. This variant has been identified in 1/245768 chromosomes in the general population by the Genome Aggregation Database (gnomAD). The available evidence is insufficient to determine the role of this variant in disease conclusively. Therefore, this variant is classified as a Variant of Uncertain Significance.

Molecular Pathology, Peter Maccallum Cancer Centre
Classification: Uncertain significance for Familial adenomatous polyposis 1. Last evaluated: 2024-03-20. Review status: criteria provided, single submitter. Criteria: ACMG Guidelines, 2015. Collection method: clinical testing. Allele origin: germline. Inheritance: Autosomal dominant inheritance.

All of Us Research Program, National Institutes of Health
Classification: Uncertain significance for Classic or attenuated familial adenomatous polyposis. Last evaluated: 2023-08-15. Review status: criteria provided, single submitter. Criteria: ACMG Guidelines, 2015. Collection method: clinical testing. Allele origin: germline. Inheritance: Autosomal dominant inheritance. Observed: 3 variant alleles, 3 heterozygotes.
Comment: This missense variant replaces alanine with valine at codon 146 of the APC protein. Computational prediction is inconclusive regarding the impact of this variant on protein structure and function (internally defined REVEL score threshold 0.5 < inconclusive < 0.7, PMID: 27666373). Splice site prediction tools suggest that this variant may not impact RNA splicing. To our knowledge, functional studies have not been reported for this variant. This variant has not been reported in individuals affected with familial adenomatous polyposis in the literature. This variant has been identified in 1/245768 chromosomes in the general population by the Genome Aggregation Database (gnomAD). The available evidence is insufficient to determine the role of this variant in disease conclusively. Therefore, this variant is classified as a Variant of Uncertain Significance.

This study involves interpretation of variants in research participants for the purpose of population health screening. Participant phenotype was not available at the time of variant classification. Additional details can be found in publication PMID: 35346344, PMCID: PMC8962531

Baylor Genetics
Classification: Uncertain significance for Familial adenomatous polyposis 1. Last evaluated: 2023-07-29. Review status: criteria provided, single submitter. Criteria: ACMG Guidelines, 2015. Collection method: clinical testing. Allele origin: unknown.

PreventionGenetics, part of Exact Sciences
Classification: Uncertain significance for APC-related condition. Last evaluated: 2022-12-07. Review status: criteria provided, single submitter. Criteria: ACMG Guidelines, 2015. Collection method: clinical testing. Allele origin: germline.
Comment: The APC c.437C>T variant is predicted to result in the amino acid substitution p.Ala146Val. This variant has been reported in an individual with breast cancer (Table A2, Tung et al 2016. PubMed ID: 26976419). This variant is reported in 1 of ~246,000 alleles in gnomAD. It is interpreted as uncertain significance in ClinVar. At this time, the clinical significance of this variant is uncertain due to the absence of conclusive functional and genetic evidence.

Women's Health and Genetics/Laboratory Corporation of America, LabCorp
Classification: Uncertain significance. Last evaluated: 2017-10-26. Review status: criteria provided, single submitter. Criteria: LabCorp Variant Classification Summary - May 2015. Collection method: clinical testing. Allele origin: germline.
Comment: Variant summary: The APC c.437C>T (p.Ala146Val) variant involves the alteration of a conserved nucleotide. 4/4 in silico tools predict a damaging outcome for this variant (SNPsandGO not captured due to low reliability index). This variant is absent in 240486 control chromosomes. Taken together, this variant is classified as VUS.

Literature cited by the submitters: PubMed 26976419 (cited by Ambry Genetics and Women's Health and Genetics/Laboratory Corporation of America, LabCorp).

NM_000038.6(APC):c.437C>T (p.Ala146Val)

Gene: APC (APC regulator of Wnt signaling pathway; plus strand). Cytogenetic location: 5q22.2.
Variant type: single nucleotide variant.
Coding change: c.437C>T on transcript NM_000038.6 (MANE Select); coding-DNA position 437, C replaced by T.
Protein change: p.Ala146Val; replaces alanine 146 with valine.
Molecular consequence: missense variant. On other transcripts: 5 prime UTR variant (1).
Genome position (GRCh38, 1-based): chr5:112,775,643, C>T. VCF-style: chr5-112775643-C-T. GRCh37 (hg19) VCF-style: chr5-112111340-C-T.
Other names: c.437C>T, p.Ala146Val (NM_001127510.3, NM_001354895.2, NM_001354896.2 and 2 more transcripts); c.467C>T, p.Ala156Val (NM_001127511.3, NM_001354897.2, NM_001354902.2); c.362C>T, p.Ala121Val (NM_001354898.2, NM_001354904.2); c.260C>T, p.Ala87Val (NM_001354900.2, NM_001354901.2, NM_001354905.2); c.-599C>T (NM_001354906.2); short protein forms A146V, A156V, A121V, A87V.
Identifiers: ClinVar variation 482475 (VCV000482475.27), dbSNP rs1305794169, ClinGen allele CA16022277.
Genomic context (GRCh38, chr5:112,775,643, plus strand): 5'-TATTAGCATTGTTTAAACGTACCTTTTTTTAAAAAAAAAAAAATAGGTCATTGCTTCTTG[C>T]TGATCTTGACAAAGAAGAAAAGGAAAAAGACTGGTATTACGCTCAACTTCAGAATCTCAC-3'
Protein context (NP_000029.2, residues 136-156): ELEKERSLLL[Ala146Val]DLDKEEKEKD